The following is an entry in ClinVar:

ClinVar aggregate classification (germline): Uncertain significance. Review status: criteria provided, multiple submitters, no conflicts (2 of 4 stars). 2 submissions from 2 submitters: Uncertain significance (2). Last evaluated 2025-09-10.

Conditions:
Hereditary cancer-predisposing syndrome. Also called: Hereditary Cancer Syndrome; Hereditary neoplastic syndrome; Tumor predisposition; Neoplastic Syndromes, Hereditary. Identifiers: Orphanet 140162, MedGen C0027672, MeSH D009386, MONDO:0015356.
Cardiovascular phenotype. Identifiers: MedGen CN230736.

Allele frequency attached by ClinVar (database versions not stated): gnomAD exomes below 0.00001.
gnomAD v4.1: 3 of 1,605,672 alleles (0.00019%); highest among the groups gnomAD compares: Non-Finnish European, 0.00017%; no homozygotes.

Submissions (2):

Ambry Genetics
Classification: Uncertain significance for Cardiovascular phenotype; Hereditary cancer-predisposing syndrome. Last evaluated: 2025-09-10. Review status: criteria provided, single submitter. Criteria: Ambry Variant Classification Scheme 2023. Collection method: clinical testing. Allele origin: germline.
Comment: The p.V803F variant (also known as c.2407G>T) is located in coding exon 21 of the LZTR1 gene. The valine at codon 803 is replaced by phenylalanine, an amino acid with highly similar properties. This change occurs in the first base pair of coding exon 21. This amino acid position is highly conserved in available vertebrate species. In addition, this alteration is predicted to be deleterious by in silico analysis. Since supporting evidence is limited at this time, the clinical significance of this alteration remains unclear.

Labcorp Genetics (formerly Invitae), Labcorp
Classification: Uncertain significance. Last evaluated: 2024-12-19. Review status: criteria provided, single submitter. Criteria: Invitae Variant Classification Sherloc (09022015). Collection method: clinical testing. Allele origin: germline.
Comment: This sequence change replaces valine, which is neutral and non-polar, with phenylalanine, which is neutral and non-polar, at codon 803 of the LZTR1 protein (p.Val803Phe). This variant is not present in population databases (gnomAD no frequency). This variant has not been reported in the literature in individuals affected with LZTR1-related conditions. ClinVar contains an entry for this variant (Variation ID: 1790816). An algorithm developed to predict the effect of missense changes on protein structure and function (PolyPhen-2) suggests that this variant is likely to be disruptive. In summary, the available evidence is currently insufficient to determine the role of this variant in disease. Therefore, it has been classified as a Variant of Uncertain Significance.

NM_006767.4(LZTR1):c.2407G>T (p.Val803Phe)

Gene: LZTR1 (leucine zipper like post translational regulator 1; plus strand). Cytogenetic location: 22q11.21.
Variant type: single nucleotide variant.
Coding change: c.2407G>T on transcript NM_006767.4 (MANE Select); coding-DNA position 2407, G replaced by T.
Protein change: p.Val803Phe; replaces valine 803 with phenylalanine.
Molecular consequence: missense variant.
Genome position (GRCh38, 1-based): chr22:20,997,232, G>T. VCF-style: chr22-20997232-G-T. GRCh37 (hg19) VCF-style: chr22-21351521-G-T.
Other names: short protein forms V803F.
Identifiers: ClinVar variation 1790816 (VCV001790816.6), dbSNP rs1601724079, ClinGen allele CA410781446.